The following is an entry in ClinVar:

ClinVar aggregate classification (germline): Conflicting classifications of pathogenicity. Review status: criteria provided, conflicting classifications (1 of 4 stars). 15 submissions from 14 submitters: Uncertain significance (8); Likely benign (5). 2 of the submissions do not count toward it. Last evaluated 2026-02-01.

Conditions:
SH3TC2-related disorder. Also called: SH3TC2-related disorders; SH3TC2-related condition. Identifiers: MedGen CN239303.
Inborn genetic diseases. Identifiers: MedGen C0950123, MeSH D030342.
Charcot-Marie-Tooth disease. Also called: Charcot-Marie-Tooth Hereditary Neuropathy; Charcot-Marie-Tooth Neuropathy. Identifiers: Orphanet 166, MedGen C0007959, MONDO:0015626.
Charcot-Marie-Tooth disease type 4. Also called: Charcot-Marie-Tooth disease, type IV; Charcot-Marie-Tooth, Type 4. Identifiers: Orphanet 64749, MedGen C4082197, MONDO:0018995.
Charcot-Marie-Tooth disease type 4C (CMT4C). Also called: Charcot-Marie-Tooth Neuropathy Type 4C (CMT4C); CHARCOT-MARIE-TOOTH DISEASE, DEMYELINATING, AUTOSOMAL RECESSIVE, TYPE 4C; SH3TC2-Related Hereditary Motor and Sensory Neuropathy; CHARCOT-MARIE-TOOTH DISEASE, DEMYELINATING, TYPE 4C; CMT 4C. Identifiers: Orphanet 99949, MedGen C1866636, MONDO:0011113, OMIM 601596.
Susceptibility to mononeuropathy of the median nerve, mild. Also called: CARPAL TUNNEL SYNDROME, SUSCEPTIBILITY TO. Identifiers: MedGen C3150596, MONDO:0013237, OMIM 613353.
Tip-toe gait. Also called: Toe walking. Identifiers: MedGen C0427144, HP:0030051.

Allele frequency attached by ClinVar (database versions not stated): 1000 Genomes Project 30x 0.00031; 1000 Genomes Project 0.00040; gnomAD exomes 0.00063; ExAC 0.00068; ESP Exome Variant Server 0.00069; TOPMed 0.00073; gnomAD 0.00085 and 0.00088.
gnomAD v4.1: 1,050 of 1,613,416 alleles (0.065%); highest among the groups gnomAD compares: Admixed American, 0.15%; 1 homozygote.

Submissions 1 to 10 of 15:

CeGaT Center for Human Genetics Tuebingen
Classification: Likely benign. Last evaluated: 2026-02-01. Review status: criteria provided, single submitter. Criteria: CeGaT Center For Human Genetics Tuebingen Variant Classification Criteria Version 2. Collection method: clinical testing. Allele origin: germline. Affected: yes. Observed: 3 variant alleles.
Comment: SH3TC2: BP4

Labcorp Genetics (formerly Invitae), Labcorp
Classification: Likely benign for Charcot-Marie-Tooth disease type 4. Last evaluated: 2026-01-19. Review status: criteria provided, single submitter. Criteria: Invitae Variant Classification Sherloc (09022015). Collection method: clinical testing. Allele origin: germline.

GeneDx
Classification: Uncertain significance. Last evaluated: 2025-12-31. Review status: criteria provided, single submitter. Criteria: GeneDx Variant Classification Process June 2021. Collection method: clinical testing. Allele origin: germline. Affected: yes.
Comment: Observed in a patient undergoing testing for hereditary neuropathy, who upon further examination did not have evidence of neuropathy; therefore, the authors concluded that the pathogenicity of the S433L variant remains uncertain (PMID: 21291453); Observed in the heterozygous state in patients with CMT and in unaffected family members (PMID: 25025039); Reported three times in a cohort of patients with suspected Charcot-Marie-Tooth disease (PMID: 32376792); In silico analysis suggests that this missense variant does not alter protein structure/function; This variant is associated with the following publications: (PMID: 27582484, 25025039, 21291453, 32376792, 25614874)

Women's Health and Genetics/Laboratory Corporation of America, LabCorp
Classification: Uncertain significance. Last evaluated: 2025-10-03. Review status: criteria provided, single submitter. Criteria: LabCorp Variant Classification Summary - May 2015. Collection method: clinical testing. Allele origin: germline.
Comment: Variant summary: SH3TC2 c.1298C>T (p.Ser433Leu) results in a non-conservative amino acid change in the encoded protein sequence. Algorithms developed to predict the effect of missense changes on protein structure and function are either unavailable or do not agree on the potential impact of this missense change. The variant allele was found at a frequency of 0.00063 in 249914 control chromosomes (gnomAD). This frequency is not significantly higher than estimated for disease-causing variants in SH3TC2, allowing no conclusion about variant significance. c.1298C>T has been reported in the literature in individuals affected with Charcot-Marie-Tooth disease type, however, in heterozygous state (example: Hoyer_2014). These reports do not provide unequivocal conclusions about association of the variant with Charcot-Marie-Tooth disease type 4C. To our knowledge, no experimental evidence demonstrating an impact on protein function has been reported. The following publications have been ascertained in the context of this evaluation (PMID: 26558264, 32376792). ClinVar contains an entry for this variant (Variation ID: 281116). Based on the evidence outlined above, the variant was classified as uncertain significance.

PreventionGenetics, part of Exact Sciences
Classification: Likely benign for SH3TC2-related condition. Last evaluated: 2025-03-18. Review status: criteria provided, single submitter. Criteria: ACMG Guidelines, 2015. Collection method: clinical testing. Allele origin: germline.
Comment: This variant is classified as likely benign based on ACMG/AMP sequence variant interpretation guidelines (Richards et al. 2015 PMID: 25741868, with internal and published modifications).

ARUP Laboratories, Molecular Genetics and Genomics, ARUP Laboratories
Classification: Uncertain significance. Last evaluated: 2025-01-08. Review status: criteria provided, single submitter. Criteria: ARUP Molecular Germline Variant Investigation Process 2024. Collection method: clinical testing. Allele origin: germline.
Comment: The SH3TC2 c.1298C>T; p.Ser433Leu variant (rs200967041) is reported in the literature in individuals affected with neuropathies including Charcot-Marie-Tooth disease but also in healthy controls (Hoyer 2014, Lassuthova 2011, Volodarsky 2021). This variant is found in the general population with an overall allele frequency of 0.068% (190/281,306 alleles) in the Genome Aggregation Database (v2.1.1). Computational analyses are uncertain whether this variant is neutral or deleterious (REVEL: 0.237). Due to limited information, the clinical significance of this variant is uncertain at this time. References: Hoyer H et al. Genetic diagnosis of Charcot-Marie-Tooth disease in a population by next-generation sequencing. Biomed Res Int. 2014;2014:210401. PMID: 25025039. Lassuthova P et al. High frequency of SH3TC2 mutations in Czech HMSN I patients. Clin Genet. 2011 Oct;80(4):334-45. PMID: 21291453. Volodarsky M et al. Comprehensive genetic sequence and copy number analysis for Charcot-Marie-Tooth disease in a Canadian cohort of 2517 patients. J Med Genet. 2021 Apr;58(4):284-288. PMID: 32376792.

Victorian Clinical Genetics Services, Murdoch Childrens Research Institute
Classification: Uncertain significance for Charcot-Marie-Tooth disease type 4C. Last evaluated: 2023-07-16. Review status: criteria provided, single submitter. Criteria: ACMG Guidelines, 2015. Collection method: clinical testing. Allele origin: germline. Inheritance: Autosomal recessive inheritance. Affected: yes.
Comment: Based on the classification scheme VCGS_Germline_v1.3.3, this variant is classified as VUS-3C. Following criteria are met: 0102 - Loss of function is a known mechanism of disease in this gene and is associated with Charcot-Marie-Tooth disease, type 4C (CMT) (MIM#601596). The mechanism of disease for mild mononeuropathy of the median nerve (MIM#613353) is unknown, but gain of function has been suggested (PMID: 20220177). (I) 0108 - This gene is associated with both recessive and dominant disease. CMT is a recessive condition caused by biallelic loss of function variants, while mild mononeuropathy is rare, with a single missense associated to disease (OMIM, PMID: 20220177). (I) 0200 - Variant is predicted to result in a missense amino acid change from serine to leucine. (I) 0251 - This variant is heterozygous. (I) 0304 - Variant is present in gnomAD (v3) <0.01 for a recessive condition (130 heterozygotes, 1 homozygote). (SP) 0502 - Missense variant with conflicting in silico predictions and uninformative conservation. (I) 0604 - Variant is not located in an established domain, motif, hotspot or informative constraint region. (I) 0705 - No comparable missense variants have previous evidence for pathogenicity. (I) 0808 - Previous reports of pathogenicity for this variant are conflicting. This variant has been reported multiple times as a VUS, and also as likely benign (ClinVar, PMID: 25614874). It has been observed in heterozygous CMT patients, but also in controls (PMID: 25025039, PMID: 21291453). (I) 0905 - No published segregation evidence has been identified for this variant. (I) 1007 - No published functional evidence has been identified for this variant. (I) 1201 - Heterozygous variant detected in trans with a second pathogenic heterozygous variant (p.(Arg954*)) in a recessive disease. (I) Legend: (SP) - Supporting pathogenic, (I) - Information, (SB) - Supporting benign

Ambry Genetics
Classification: Uncertain significance for Inborn genetic diseases. Last evaluated: 2021-10-11. Review status: criteria provided, single submitter. Criteria: Ambry Variant Classification Scheme 2023. Collection method: clinical testing. Allele origin: germline.
Comment: The p.S433L variant (also known as c.1298C>T), located in coding exon 11 of the SH3TC2 gene, results from a C to T substitution at nucleotide position 1298. The serine at codon 433 is replaced by leucine, an amino acid with dissimilar properties. This amino acid position is well conserved in available vertebrate species. In addition, this alteration is predicted to be tolerated by in silico analysis. Since supporting evidence is limited at this time, the clinical significance of this alteration remains unclear.

Athena Diagnostics
Classification: Likely benign. Last evaluated: 2019-12-12. Review status: criteria provided, single submitter. Criteria: Athena Diagnostics criteria. Collection method: clinical testing. Allele origin: unknown.

Eurofins Ntd Llc (ga)
Classification: Uncertain significance. Last evaluated: 2017-07-10. Review status: criteria provided, single submitter. Criteria: EGL Classification Definitions 2015. Collection method: clinical testing. Allele origin: germline. Observed: 3 variant alleles, 3 heterozygotes.

NM_024577.4(SH3TC2):c.1298C>T (p.Ser433Leu)

Gene: SH3TC2 (SH3 domain and tetratricopeptide repeats 2; minus strand). Cytogenetic location: 5q32.
Variant type: single nucleotide variant.
Coding change: c.1298C>T on transcript NM_024577.4 (MANE Select); coding-DNA position 1298, C replaced by T.
Protein change: p.Ser433Leu; replaces serine 433 with leucine.
Molecular consequence: missense variant.
Genome position (GRCh38, 1-based): chr5:149,028,434, G>A on the plus strand (C>T on the coding strand, the complement: SH3TC2 is on the minus strand). VCF-style: chr5-149028434-G-A. GRCh37 (hg19) VCF-style: chr5-148407997-G-A.
Other names: short protein forms S433L.
Identifiers: ClinVar variation 281116 (VCV000281116.46), dbSNP rs200967041, ClinGen allele CA3499208.